The following is an entry in ClinVar:

ClinVar aggregate classification (germline): Uncertain significance (1 of 4 stars; one submission).

Conditions:
Baller-Gerold syndrome (BGS). Also called: CRANIOSYNOSTOSIS WITH RADIAL DEFECTS. Identifiers: Orphanet 1225, MedGen C0265308, MONDO:0009039, OMIM 218600.

Submission:

Labcorp Genetics (formerly Invitae), Labcorp
Classification: Uncertain significance for Baller-Gerold syndrome. Last evaluated: 2025-02-20. Review status: criteria provided, single submitter. Criteria: Invitae Variant Classification Sherloc (09022015). Collection method: clinical testing. Allele origin: germline.
Comment: This sequence change replaces phenylalanine, which is neutral and non-polar, with serine, which is neutral and polar, at codon 1192 of the RECQL4 protein (p.Phe1192Ser). This variant is not present in population databases (gnomAD no frequency). This variant has not been reported in the literature in individuals affected with RECQL4-related conditions. Invitae Evidence Modeling of protein sequence and biophysical properties (such as structural, functional, and spatial information, amino acid conservation, physicochemical variation, residue mobility, and thermodynamic stability) indicates that this missense variant is expected to disrupt RECQL4 protein function with a positive predictive value of 80%. In summary, the available evidence is currently insufficient to determine the role of this variant in disease. Therefore, it has been classified as a Variant of Uncertain Significance.

NM_004260.4(RECQL4):c.3575T>C (p.Phe1192Ser)

Gene: RECQL4 (RecQ like helicase 4; minus strand). Cytogenetic location: 8q24.3.
Variant type: single nucleotide variant.
Coding change: c.3575T>C on transcript NM_004260.4 (MANE Select); coding-DNA position 3575, T replaced by C.
Protein change: p.Phe1192Ser; replaces phenylalanine 1192 with serine.
Molecular consequence: missense variant. On other transcripts: non-coding transcript variant (3).
Genome position (GRCh38, 1-based): chr8:144,511,483, A>G on the plus strand (T>C on the coding strand, the complement: RECQL4 is on the minus strand). VCF-style: chr8-144511483-A-G. GRCh37 (hg19) VCF-style: chr8-145736866-A-G.
Other names: c.3281T>C, p.Phe1094Ser (NM_001413017.1); c.3377T>C, p.Phe1126Ser (NM_001413018.1); c.3650T>C, p.Phe1217Ser (NM_001413019.1); c.3479T>C, p.Phe1160Ser (NM_001413020.1); c.2504T>C, p.Phe835Ser (NM_001413021.1, NM_001413022.1, NM_001413024.1 and 4 more transcripts); c.2579T>C, p.Phe860Ser (NM_001413023.1); c.3446T>C, p.Phe1149Ser (NM_001413025.1); c.2438T>C, p.Phe813Ser (NM_001413027.1, NM_001413030.1, NM_001413032.1); and 9 more; short protein forms F1195S, F703S, F1160S, F1217S, F1126S, F1148S, F1149S, F1182S.
Identifiers: ClinVar variation 4753770 (VCV004753770.1).